The following is an entry in ClinVar:

NM_139058.3(ARX):c.1384_1406del (p.Leu462fs)

Gene: ARX (aristaless related homeobox; minus strand). Cytogenetic location: Xp21.3.
Variant type: Deletion.
Coding change: c.1384_1406del on transcript NM_139058.3 (MANE Select); coding-DNA positions 1384 to 1406, 23 bases deleted (CTGAGCACTTTCCTCGGAGCGGC).
Protein change: p.Leu462fs; shifts the reading frame from leucine 462.
Molecular consequence: frameshift variant.
Genome position (GRCh38, 1-based): chrX:25,007,153-25,007,175, GCCGCTCCGAGGAAAGTGCTCAG deleted on the plus strand (CTGAGCACTTTCCTCGGAGCGGC on the coding strand, the reverse complement: ARX is on the minus strand); deleting any 23 consecutive bases within chrX:25,007,153-25,007,178 gives the same sequence; the c. name uses the placement nearest the transcript's 3' end. VCF-style (leftmost placement, unchanged base first): chrX-25007152-TGCCGCTCCGAGGAAAGTGCTCAG-T. GRCh37 (hg19) VCF-style: chrX-25025269-TGCCGCTCCGAGGAAAGTGCTCAG-T.
Other names: short protein forms L462fs.
Identifiers: ClinVar variation 1771348 (VCV001771348.2), dbSNP rs2519101445, ClinGen allele CA2580100520.

ClinVar aggregate classification (germline): Likely pathogenic (1 of 4 stars; one submission).

Conditions:
Inborn genetic diseases. Identifiers: MedGen C0950123, MeSH D030342.

Submission:

Ambry Genetics
Classification: Likely pathogenic for Inborn genetic diseases. Last evaluated: 2017-11-13. Review status: criteria provided, single submitter. Criteria: Ambry Variant Classification Scheme 2023. Collection method: clinical testing. Allele origin: germline.
Comment: The c.1384_1406del23 variant, located in coding exon 4 of the ARX gene, results from a deletion of 23 nucleotides at nucleotide positions 1384 to 1406, causing a translational frameshift with a predicted alternate stop codon (p.L462Sfs*62). Frameshifts are typically deleterious in nature; however, this frameshift occurs at the 3' terminus of ARX, is not expected to trigger nonsense-mediated mRNA decay, and impacts only the last 101 amino acids of the protein. The exact functional impact of these altered amino acids is unknown at this time. Nonetheless, similar frameshift mutations have been detected in multiple individuals with neurodevelopmental disorders, including epileptic encephalopathy and Ohtahara syndrome (Hartmann H et al. Neuropediatrics, 2004 Jun;35:157-60; Wallerstein R et al. Clin Neurol Neurosurg, 2008 Jun;110:631-4; Kato M et al. Epilepsia, 2010 Sep;51:1679-84; Ekiolu YZ et al. Epilepsia, 2011 May;52:984-92; Bettella E et al. Clin. Genet., 2013 Jul;84:82-5). In addition, this variant disrupts the C-terminal aristaless/OAR domain (amino acid positions 526-542), which is thought to be involved in transactivation. Based on the majority of available evidence to date, this variant is likely to be pathogenic.

Literature cited by the submitters: PubMed 15248097; PubMed 18462864; PubMed 20384723; PubMed 21426321; PubMed 23039062.